The following is an entry in ClinVar:

ClinVar aggregate classification (germline): Uncertain significance (1 of 4 stars; one submission).

Submission:

Labcorp Genetics (formerly Invitae), Labcorp
Classification: Uncertain significance. Last evaluated: 2026-01-19. Review status: criteria provided, single submitter. Criteria: Invitae Variant Classification Sherloc (09022015). Collection method: clinical testing. Allele origin: germline.
Comment: This sequence change replaces methionine, which is neutral and non-polar, with leucine, which is neutral and non-polar, at codon 1618 of the KAT6A protein (p.Met1618Leu). This variant is not present in population databases (gnomAD no frequency). This variant has not been reported in the literature in individuals affected with KAT6A-related conditions. Invitae Evidence Modeling of protein sequence and biophysical properties (such as structural, functional, and spatial information, amino acid conservation, physicochemical variation, residue mobility, and thermodynamic stability) indicates that this missense variant is not expected to disrupt KAT6A protein function with a negative predictive value of 95%. In summary, the available evidence is currently insufficient to determine the role of this variant in disease. Therefore, it has been classified as a Variant of Uncertain Significance.

NM_006766.5(KAT6A):c.4852A>T (p.Met1618Leu)

Gene: KAT6A (lysine acetyltransferase 6A; minus strand). Cytogenetic location: 8p11.21.
Variant type: single nucleotide variant.
Coding change: c.4852A>T on transcript NM_006766.5 (MANE Select); coding-DNA position 4852, A replaced by T.
Protein change: p.Met1618Leu; replaces methionine 1618 with leucine.
Molecular consequence: missense variant.
Genome position (GRCh38, 1-based): chr8:41,933,368, T>A on the plus strand (A>T on the coding strand, the complement: KAT6A is on the minus strand). VCF-style: chr8-41933368-T-A. GRCh37 (hg19) VCF-style: chr8-41790886-T-A.
Other names: short protein forms M1618L.
Identifiers: ClinVar variation 4779204 (VCV004779204.1).
Genomic context (GRCh38, chr8:41,933,368, plus strand): 5'-AGCTCTGAGGTGACTTGATGCTGCAGTTGGCAGCAGGCTGGACGCTGCTCTGCTGCATCA[T>A]GCTGCAGCTGCTGCCCATGCTGGCCATCTGCTGAGTGACCACACAGCTGCTCTGGGTGAG-3'
Protein context (NP_006757.2, residues 1608-1628): QMASMGSSCS[Met1618Leu]MQQSSVQPAA